The following is an entry in ClinVar:

NM_001256789.3(CACNA1F):c.381+1G>A

Gene: CACNA1F (calcium voltage-gated channel subunit alpha1 F; minus strand). Cytogenetic location: Xp11.23.
Variant type: single nucleotide variant.
Coding change: c.381+1G>A on transcript NM_001256789.3 (MANE Select); the canonical splice donor site of the intron after coding-DNA position 381, G replaced by A.
Molecular consequence: splice donor variant.
Genome position (GRCh38, 1-based): chrX:49,231,201, C>T on the plus strand (G>A on the coding strand, the complement: CACNA1F is on the minus strand). VCF-style: chrX-49231201-C-T. GRCh37 (hg19) VCF-style: chrX-49087663-C-T.
Other names: c.381+1G>A (NM_005183.4); c.186+1G>A (NM_001256790.3).
Identifiers: ClinVar variation 1468021 (VCV001468021.8), dbSNP rs2147925559, ClinGen allele CA412926418.
Genomic context (GRCh38, chrX:49,231,201, plus strand): 5'-GGAGTGAGCTCTACTGGGGCTCTATTTGGCTGGGAACTGGCTGGGGCGGGGCGGGCCTTA[C>T]CAGGTTGTGGTTGGCAGTGTTGGAGTCGTCCTCAGGGAAGGGGATGTAAACTCCCAGGGC-3'

ClinVar aggregate classification (germline): Likely pathogenic. Review status: criteria provided, multiple submitters, no conflicts (2 of 4 stars). 2 submissions from 2 submitters: Likely pathogenic (2). Last evaluated 2025-05-12.

Submissions (2):

Labcorp Genetics (formerly Invitae), Labcorp
Classification: Likely pathogenic. Last evaluated: 2025-05-12. Review status: criteria provided, single submitter. Criteria: Invitae Variant Classification Sherloc (09022015). Collection method: clinical testing. Allele origin: germline.
Comment: This sequence change affects a donor splice site in intron 3 of the CACNA1F gene. It is expected to disrupt RNA splicing. Variants that disrupt the donor or acceptor splice site typically lead to a loss of protein function (PMID: 16199547), and loss-of-function variants in CACNA1F are known to be pathogenic (PMID: 9662399, 11281458, 17525176, 22194652, 24124559, 26992781). This variant is not present in population databases (gnomAD no frequency). Disruption of this splice site has been observed in individual(s) with clinical features of cone rod dystrophy or inherited retinal disease (PMID: 38219857; internal data). ClinVar contains an entry for this variant (Variation ID: 1468021). Algorithms developed to predict the effect of sequence changes on RNA splicing suggest that this variant may disrupt the consensus splice site. In summary, the currently available evidence indicates that the variant is pathogenic, but additional data are needed to prove that conclusively. Therefore, this variant has been classified as Likely Pathogenic.

Dasa
Classification: Likely pathogenic. Last evaluated: 2025-04-10. Review status: criteria provided, single submitter. Criteria: DASA Assertion Criteria. Collection method: clinical testing. Allele origin: germline.
Comment: NM_001256789.3(CACNA1F):c.381+1G>A affects a canonical splice site and is predicted to disrupt normal RNA splicing. Loss of function is an established disease mechanism for CACNA1F-associated disorders. Also, this variant is absent from population databases. Based on the currently available evidence, this variant is classified as likely pathogenic.

Literature cited by the submitters: PubMed 16199547 (cited by Labcorp Genetics (formerly Invitae), Labcorp); PubMed 9662399 (cited by Labcorp Genetics (formerly Invitae), Labcorp); PubMed 11281458 (cited by Labcorp Genetics (formerly Invitae), Labcorp); PubMed 17525176 (cited by Labcorp Genetics (formerly Invitae), Labcorp); PubMed 22194652 (cited by Labcorp Genetics (formerly Invitae), Labcorp); PubMed 24124559 (cited by Labcorp Genetics (formerly Invitae), Labcorp); PubMed 26992781 (cited by Labcorp Genetics (formerly Invitae), Labcorp); PubMed 38219857 (cited by Labcorp Genetics (formerly Invitae), Labcorp).